The following is an entry in ClinVar:

NM_001197104.2(KMT2A):c.8490G>T (p.Glu2830Asp)

Gene: KMT2A (lysine methyltransferase 2A; plus strand). Cytogenetic location: 11q23.3.
Variant type: single nucleotide variant.
Coding change: c.8490G>T on transcript NM_001197104.2 (MANE Select); coding-DNA position 8490, G replaced by T.
Protein change: p.Glu2830Asp; replaces glutamic acid 2830 with aspartic acid.
Molecular consequence: missense variant.
Genome position (GRCh38, 1-based): chr11:118,504,382, G>T. VCF-style: chr11-118504382-G-T. GRCh37 (hg19) VCF-style: chr11-118375097-G-T.
Other names: c.8580G>T, p.Glu2860Asp (NM_001412597.1); c.8481G>T, p.Glu2827Asp (NM_005933.4); short protein forms E2827D, E2830D, E2860D.
Identifiers: ClinVar variation 4800565 (VCV004800565.1).

ClinVar aggregate classification (germline): Uncertain significance (1 of 4 stars; one submission).

Submission:

Labcorp Genetics (formerly Invitae), Labcorp
Classification: Uncertain significance. Last evaluated: 2025-05-11. Review status: criteria provided, single submitter. Criteria: Invitae Variant Classification Sherloc (09022015). Collection method: clinical testing. Allele origin: germline.
Comment: This sequence change replaces glutamic acid, which is acidic and polar, with aspartic acid, which is acidic and polar, at codon 2830 of the KMT2A protein (p.Glu2830Asp). This variant is not present in population databases (gnomAD no frequency). This variant has not been reported in the literature in individuals affected with KMT2A-related conditions. Invitae Evidence Modeling of protein sequence and biophysical properties (such as structural, functional, and spatial information, amino acid conservation, physicochemical variation, residue mobility, and thermodynamic stability) indicates that this missense variant is not expected to disrupt KMT2A protein function with a negative predictive value of 95%. In summary, the available evidence is currently insufficient to determine the role of this variant in disease. Therefore, it has been classified as a Variant of Uncertain Significance.